The following is an entry in ClinVar:

ClinVar aggregate classification (germline): Benign/Likely benign. Review status: criteria provided, multiple submitters, no conflicts (2 of 4 stars). 2 submissions from 2 submitters: Benign (1); Likely benign (1). Last evaluated 2025-06-10.

Conditions:
Hereditary cancer-predisposing syndrome. Also called: Neoplastic Syndromes, Hereditary; Tumor predisposition; Hereditary Cancer Syndrome; Hereditary neoplastic syndrome. Identifiers: Orphanet 140162, MedGen C0027672, MeSH D009386, MONDO:0015356.
Familial cancer of breast. Also called: Hereditary breast cancer; BREAST CANCER, FAMILIAL; hereditary breast carcinoma. Identifiers: Orphanet 227535, MedGen C0346153, MONDO:0016419, OMIM 114480. Disease mechanism: loss of function.

gnomAD v4.1: 2 of 1,613,890 alleles (0.00012%); highest among the groups gnomAD compares: Admixed American, 0.0017%; no homozygotes.

Submissions (2):

Ambry Genetics
Classification: Likely benign for Hereditary cancer-predisposing syndrome. Last evaluated: 2025-06-10. Review status: criteria provided, single submitter. Criteria: Ambry Variant Classification Scheme 2023. Collection method: clinical testing. Allele origin: germline.

Myriad Genetics, Inc.
Classification: Benign for Familial cancer of breast. Last evaluated: 2024-10-01. Review status: criteria provided, single submitter. Criteria: Myriad Autosomal Dominant, Autosomal Recessive and X-Linked Classification Criteria (2023). Collection method: clinical testing. Allele origin: unknown.
Comment: This variant is considered benign. This variant is a silent/synonymous amino acid change and it is not expected to impact splicing.

NM_007194.4(CHEK2):c.93C>T (p.Ser31=)

Gene: CHEK2 (checkpoint kinase 2; minus strand). Cytogenetic location: 22q12.1.
Variant type: single nucleotide variant.
Coding change: c.93C>T on transcript NM_007194.4 (MANE Select); coding-DNA position 93, C replaced by T.
Protein change: p.Ser31=; no amino-acid change (serine 31 retained).
Molecular consequence: synonymous variant.
Genome position (GRCh38, 1-based): chr22:28,734,629, G>A on the plus strand (C>T on the coding strand, the complement: CHEK2 is on the minus strand). VCF-style: chr22-28734629-G-A. GRCh37 (hg19) VCF-style: chr22-29130617-G-A.
Other names: c.93C>T, p.Ser31= (NM_001005735.3, NM_001349956.3, NM_145862.3); c.-685C>T (NM_001257387.3).
Identifiers: ClinVar variation 3772864 (VCV003772864.2).